The following is an entry in ClinVar:

ClinVar aggregate classification (germline): Uncertain significance (1 of 4 stars; one submission).

Allele frequency attached by ClinVar (database versions not stated): ExAC 0.00001.

Submission:

GeneDx
Classification: Uncertain significance. Last evaluated: 2022-11-28. Review status: criteria provided, single submitter. Criteria: GeneDx Variant Classification Process June 2021. Collection method: clinical testing. Allele origin: germline. Affected: yes.
Comment: Not observed at significant frequency in large population cohorts (gnomAD); In silico analysis supports that this missense variant has a deleterious effect on protein structure/function; Has not been previously published as pathogenic or benign to our knowledge

NM_016302.4(CRBN):c.1030G>A (p.Gly344Arg)

Genes: CRBN (cereblon; minus strand), TRNT1 (tRNA nucleotidyl transferase 1; plus strand). Cytogenetic location: 3p26.2.
Variant type: single nucleotide variant.
Coding change: c.1030G>A on transcript NM_016302.4 (MANE Select); coding-DNA position 1030, G replaced by A.
Protein change: p.Gly344Arg; replaces glycine 344 with arginine.
Molecular consequence: missense variant. On other transcripts: 3 prime UTR variant (1), non-coding transcript variant (4).
Genome position (GRCh38, 1-based): chr3:3,152,574, C>T on the plus strand (G>A on the coding strand, the complement: CRBN is on the minus strand). VCF-style: chr3-3152574-C-T. GRCh37 (hg19) VCF-style: chr3-3194258-C-T.
Other names: c.*2068C>T (NM_001367321.1); c.1027G>A, p.Gly343Arg (NM_001173482.1); short protein forms G343R, G344R.
Identifiers: ClinVar variation 2503153 (VCV002503153.1), dbSNP rs757533243, ClinGen allele CA2229061.
Genomic context (GRCh38, chr3:3,152,574, plus strand): 5'-TATACACAGTAAGTGTCTCATGCACATATCCATGAGGATTCACATAAGCTGCCATCGGCC[C>T]ACATAAGGATAAACTAAAACAAAGAATCAACATGGAGAACACGTCAAAACGAGAAGTCTA-3'
Protein context (NP_057386.2, residues 334-354): KNEIFSLSLC[Gly344Arg]PMAAYVNPHG